The following is an entry in ClinVar:

ClinVar aggregate classification (germline): Uncertain significance (1 of 4 stars; one submission).

Submission:

Ambry Genetics
Classification: Uncertain significance. Last evaluated: 2025-01-21. Review status: criteria provided, single submitter. Criteria: Ambry Variant Classification Scheme 2023. Collection method: clinical testing. Allele origin: germline.
Comment: The p.G536V variant (also known as c.1607G>T), located in coding exon 1 of the MLH3 gene, results from a G to T substitution at nucleotide position 1607. The glycine at codon 536 is replaced by valine, an amino acid with dissimilar properties. This amino acid position is conserved. In addition, this alteration is predicted to be tolerated by in silico analysis. Since supporting evidence is limited at this time, the clinical significance of this alteration remains unclear.

NM_001040108.2(MLH3):c.1607G>T (p.Gly536Val)

Gene: MLH3 (mutL homolog 3; minus strand). Cytogenetic location: 14q24.3.
Variant type: single nucleotide variant.
Coding change: c.1607G>T on transcript NM_001040108.2 (MANE Select); coding-DNA position 1607, G replaced by T.
Protein change: p.Gly536Val; replaces glycine 536 with valine.
Molecular consequence: missense variant.
Genome position (GRCh38, 1-based): chr14:75,048,049, C>A on the plus strand (G>T on the coding strand, the complement: MLH3 is on the minus strand). VCF-style: chr14-75048049-C-A. GRCh37 (hg19) VCF-style: chr14-75514752-C-A.
Other names: c.1607G>T, p.Gly536Val (NM_014381.3); short protein forms G536V.
Identifiers: ClinVar variation 1776319 (VCV001776319.3), dbSNP rs1892384725, ClinGen allele CA390444871.
Genomic context (GRCh38, chr14:75,048,049, plus strand): 5'-TCTTTAAATCTCTTTGGTTGATTCTGAATTCTATTATTTTTCAAGATGTTGGCAGCCATG[C>A]CATTAACAGTAGTACTTTCTTTCCATATTTCTAGATCCTGCCCACTCTCCTCAAAGTGAC-3'
Protein context (NP_001035197.1, residues 526-546): EIWKESTTVN[Gly536Val]MAANILKNNR